The following is an entry in ClinVar:

ClinVar aggregate classification (germline): Uncertain significance (1 of 4 stars; one submission).

gnomAD v4.1: 1 of 1,612,972 alleles (0.000062%); highest among the groups gnomAD compares: African/African-American, 0.0013%; no homozygotes.

Submission:

Ambry Genetics
Classification: Uncertain significance. Last evaluated: 2023-03-18. Review status: criteria provided, single submitter. Criteria: Ambry Variant Classification Scheme 2023. Collection method: clinical testing. Allele origin: germline.
Comment: The p.A524T variant (also known as c.1570G>A), located in coding exon 9 of the PKP4 gene, results from a G to A substitution at nucleotide position 1570. The alanine at codon 524 is replaced by threonine, an amino acid with similar properties. This amino acid position is conserved. In addition, the in silico prediction for this alteration is inconclusive. Since supporting evidence is limited at this time, the clinical significance of this alteration remains unclear.

NM_003628.6(PKP4):c.1570G>A (p.Ala524Thr)

Gene: PKP4 (plakophilin 4; plus strand). Cytogenetic location: 2q24.1.
Variant type: single nucleotide variant.
Coding change: c.1570G>A on transcript NM_003628.6 (MANE Select); coding-DNA position 1570, G replaced by A.
Protein change: p.Ala524Thr; replaces alanine 524 with threonine.
Molecular consequence: missense variant.
Genome position (GRCh38, 1-based): chr2:158,640,634, G>A. VCF-style: chr2-158640634-G-A. GRCh37 (hg19) VCF-style: chr2-159497146-G-A.
Other names: c.1570G>A, p.Ala524Thr (NM_001005476.4, NM_001304971.2, NM_001377218.1 and 1 more transcripts); c.1567G>A, p.Ala523Thr (NM_001304969.3, NM_001377219.1, NM_001377220.1 and 2 more transcripts); c.541G>A, p.Ala181Thr (NM_001304970.3); c.1564G>A, p.Ala522Thr (NM_001377222.1, NM_001377223.1); c.1561G>A, p.Ala521Thr (NM_001377224.1); short protein forms A524T, A181T, A522T, A521T, A523T.
Identifiers: ClinVar variation 2563002 (VCV002563002.2), dbSNP rs2529693153, ClinGen allele CA348911123.